The following is an entry in ClinVar:

ClinVar aggregate classification (germline): Uncertain significance. Review status: criteria provided, multiple submitters, no conflicts (2 of 4 stars). 4 submissions from 4 submitters: Uncertain significance (4). Last evaluated 2026-06-01.

Conditions:
Cardiovascular phenotype. Identifiers: MedGen CN230736.

Allele frequency attached by ClinVar (database versions not stated): gnomAD 0.00010; 1000 Genomes Project 30x 0.00016; gnomAD exomes 0.00016 and 0.00035; 1000 Genomes Project 0.00020; TOPMed 0.00022; ExAC 0.00023.
gnomAD v4.1: 111 of 1,612,724 alleles (0.0069%); highest among the groups gnomAD compares: Admixed American, 0.18%; no homozygotes.

Submissions (4):

CeGaT Center for Human Genetics Tuebingen
Classification: Uncertain significance. Last evaluated: 2026-06-01. Review status: criteria provided, single submitter. Criteria: CeGaT Center For Human Genetics Tuebingen Variant Classification Criteria Version 2. Collection method: clinical testing. Allele origin: germline. Affected: yes. Observed: 1 variant allele.
Comment: TNXB: PM2, BP4

Women's Health and Genetics/Laboratory Corporation of America, LabCorp
Classification: Uncertain significance. Last evaluated: 2024-12-02. Review status: criteria provided, single submitter. Criteria: LabCorp Variant Classification Summary - May 2015. Collection method: clinical testing. Allele origin: germline.
Comment: Variant summary: TNXB c.5666T>C (p.Val1889Ala) results in a non-conservative amino acid change located in the Fibronectin type 3 domain (IPR003961) of the encoded protein sequence. Three of five in-silico tools predict a benign effect of the variant on protein function. The variant allele was found at a frequency of 0.00035 in 244210 control chromosomes. This frequency is not significantly higher than estimated for a pathogenic variant in TNXB causing Ehlers-Danlos syndrome due to tenascin-X deficiency (0.00035 vs 0.0011), allowing no conclusion about variant significance. To our knowledge, no occurrence of c.5666T>C in individuals affected with Ehlers-Danlos syndrome due to tenascin-X deficiency and no experimental evidence demonstrating its impact on protein function have been reported. ClinVar contains an entry for this variant (Variation ID: 1204221). Based on the evidence outlined above, the variant was classified as VUS-possibly benign.

Ambry Genetics
Classification: Uncertain significance for Cardiovascular phenotype. Last evaluated: 2023-10-19. Review status: criteria provided, single submitter. Criteria: Ambry Variant Classification Scheme 2023. Collection method: clinical testing. Allele origin: germline.
Comment: The p.V1889A variant (also known as c.5666T>C), located in coding exon 15 of the TNXB gene, results from a T to C substitution at nucleotide position 5666. The valine at codon 1889 is replaced by alanine, an amino acid with similar properties. This amino acid position is well conserved in available vertebrate species. In addition, this alteration is predicted to be tolerated by in silico analysis. Since supporting evidence is limited at this time, the clinical significance of this alteration remains unclear.

GeneDx
Classification: Uncertain significance. Last evaluated: 2022-12-16. Review status: criteria provided, single submitter. Criteria: GeneDx Variant Classification Process June 2021. Collection method: clinical testing. Allele origin: germline. Affected: yes.
Comment: Has not been previously published as pathogenic or benign to our knowledge; In silico analysis supports that this missense variant does not alter protein structure/function

NM_001365276.2(TNXB):c.5666T>C (p.Val1889Ala)

Gene: TNXB (tenascin XB; minus strand). Cytogenetic location: 6p21.33.
Variant type: single nucleotide variant.
Coding change: c.5666T>C on transcript NM_001365276.2 (MANE Select); coding-DNA position 5666, T replaced by C.
Protein change: p.Val1889Ala; replaces valine 1889 with alanine.
Molecular consequence: missense variant.
Genome position (GRCh38, 1-based): chr6:32,069,058, A>G on the plus strand (T>C on the coding strand, the complement: TNXB is on the minus strand). VCF-style: chr6-32069058-A-G. GRCh37 (hg19) VCF-style: chr6-32036835-A-G.
Other names: c.5666T>C, p.Val1889Ala (NM_019105.8); short protein forms V1889A.
Identifiers: ClinVar variation 1204221 (VCV001204221.9), dbSNP rs575571619, ClinGen allele CA3734631.